The following is an entry in ClinVar:

NM_005097.4(LGI1):c.1108C>T (p.His370Tyr)

Gene: LGI1 (leucine rich glioma inactivated 1; plus strand). Cytogenetic location: 10q23.33.
Variant type: single nucleotide variant.
Coding change: c.1108C>T on transcript NM_005097.4 (MANE Select); coding-DNA position 1108, C replaced by T.
Protein change: p.His370Tyr; replaces histidine 370 with tyrosine.
Molecular consequence: missense variant. On other transcripts: non-coding transcript variant (1), intron variant (1).
Genome position (GRCh38, 1-based): chr10:93,797,237, C>T. VCF-style: chr10-93797237-C-T. GRCh37 (hg19) VCF-style: chr10-95556994-C-T.
Other names: p.H370Y:CAT>TAT; c.964C>T, p.His322Tyr (NM_001308276.2); c.839-512C>T (NM_001308275.2); short protein forms H370Y, H322Y.
Identifiers: ClinVar variation 206029 (VCV000206029.2), dbSNP rs796052695, ClinGen allele CA315719.

ClinVar aggregate classification (germline): Uncertain significance (1 of 4 stars; one submission).

Submission:

GeneDx
Classification: Uncertain significance. Last evaluated: 2012-05-11. Review status: criteria provided, single submitter. Criteria: GeneDx Variant Classification (06012015). Collection method: clinical testing. Allele origin: germline. Affected: yes.
Comment: p.His370Tyr (CAT>TAT): c.1108 C>T in exon 8 of the LGI1 gene (NM_005097.2). The His370Tyr missense substitution has not been published as a mutation, nor has it been reported as a benign polymorphism to our knowledge. The NHLBI ESP Exome Variant Project has not identified His370Tyr in approximately 5,000 individuals of European or African American ethnicity, indicating that it is not a common benign variant in these populations. The amino acid substitution is non-conservative, as an uncharged Tyrosine is replaced by a positively charged Histidine. Polymorphisms in the coding exons of the LGI1 gene are extremely rare (Nobile et al., 2009), and His370Tyr alters a position that is highly conserved in the LGI1 protein; however, this position is not conserved in related proteins. While multiple in silico models predict His370Tyr is likely benign, one model predicts it may be damaging to protein structure/function. With the clinical and molecular information available at this time, the clinical significance of the His370Tyr variant in the LGI1 gene is unknown. The variant is found in CHILD-EPI panel(s).